The following is an entry in ClinVar:

ClinVar aggregate classification (germline): Uncertain significance. Review status: criteria provided, multiple submitters, no conflicts (2 of 4 stars). 2 submissions from 2 submitters: Uncertain significance (2). Last evaluated 2025-07-14.

Conditions:
Intellectual disability. Also called: Intellectual functioning disability; intellectual disabilities; Intellectual developmental disorder. Identifiers: MedGen C3714756, MeSH D008607, MONDO:0001071, HP:0001249.

Submissions (2):

GeneDx
Classification: Uncertain significance. Last evaluated: 2025-07-14. Review status: criteria provided, single submitter. Criteria: GeneDx Variant Classification Process June 2021. Collection method: clinical testing. Allele origin: germline.
Comment: Not observed at significant frequency in large population cohorts (gnomAD); Canonical splice site variant in a gene or region of a gene for which loss of function is not a well-established mechanism of disease; Has not been previously published as pathogenic or benign to our knowledge

Labcorp Genetics (formerly Invitae), Labcorp
Classification: Uncertain significance for Intellectual disability. Last evaluated: 2025-03-17. Review status: criteria provided, single submitter. Criteria: Invitae Variant Classification Sherloc (09022015). Collection method: clinical testing. Allele origin: germline.
Comment: This sequence change affects an acceptor splice site in intron 8 of the GABRB2 gene. It is expected to disrupt RNA splicing. Variants that disrupt the donor or acceptor splice site typically lead to a loss of protein function (PMID: 16199547), however the current clinical and genetic evidence is not sufficient to establish whether loss-of-function variants in GABRB2 cause disease. This variant is not present in population databases (gnomAD no frequency). This variant has not been reported in the literature in individuals affected with GABRB2-related conditions. ClinVar contains an entry for this variant (Variation ID: 2430713). Algorithms developed to predict the effect of sequence changes on RNA splicing suggest that this variant may disrupt the consensus splice site. In summary, the available evidence is currently insufficient to determine the role of this variant in disease. Therefore, it has been classified as a Variant of Uncertain Significance.

Literature cited by the submitters: PubMed 16199547 (cited by Labcorp Genetics (formerly Invitae), Labcorp).

NM_001371727.1(GABRB2):c.833-2A>G

Gene: GABRB2 (gamma-aminobutyric acid type A receptor subunit beta2; minus strand). Cytogenetic location: 5q34.
Variant type: single nucleotide variant.
Coding change: c.833-2A>G on transcript NM_001371727.1 (MANE Select); the canonical splice acceptor site of the intron before coding-DNA position 833, A replaced by G.
Molecular consequence: splice acceptor variant.
Genome position (GRCh38, 1-based): chr5:161,331,129, T>C on the plus strand (A>G on the coding strand, the complement: GABRB2 is on the minus strand). VCF-style: chr5-161331129-T-C. GRCh37 (hg19) VCF-style: chr5-160758136-T-C.
Other names: c.833-2A>G (NM_000813.3, NM_021911.3).
Identifiers: ClinVar variation 2430713 (VCV002430713.4), dbSNP rs2546555682, ClinGen allele CA362175527.
Genomic context (GRCh38, chr5:161,331,129, plus strand): 5'-AGGGAGAGTTTCCCGGAGGTGGGTGTTGATTGTGGTCATTGTGAGGACAGTTGTGATTCC[T>C]GAAAAAAAATGGGAGAGTTAGAGTAATAATGTTCCTATCTCTTTTCTTCTTTCTTAATAG-3'